The following is an entry in ClinVar:

ClinVar aggregate classification (germline): Uncertain significance (1 of 4 stars; one submission).

Conditions:
Familial acute necrotizing encephalopathy (IIAE3). Also called: Susceptibility to Acute Necrotizing Encephalopathy 1; ENCEPHALOPATHY, ACUTE, INFECTION-INDUCED, SUSCEPTIBILITY TO, 3. Identifiers: Orphanet 88619, MedGen C2675556, MONDO:0011953, OMIM 608033.

Allele frequency attached by ClinVar (database versions not stated): gnomAD 0.00001; gnomAD exomes 0.00001; ExAC 0.00002; TOPMed 0.00002.
gnomAD v4.1: 10 of 1,596,700 alleles (0.00063%); highest among the groups gnomAD compares: Non-Finnish European, 0.00085%; no homozygotes.

Submission:

Labcorp Genetics (formerly Invitae), Labcorp
Classification: Uncertain significance for Familial acute necrotizing encephalopathy. Last evaluated: 2022-12-02. Review status: criteria provided, single submitter. Criteria: Invitae Variant Classification Sherloc (09022015). Collection method: clinical testing. Allele origin: germline.
Comment: Variants that disrupt the consensus splice site are a relatively common cause of aberrant splicing (PMID: 17576681, 9536098). Algorithms developed to predict the effect of sequence changes on RNA splicing suggest that this variant is not likely to affect RNA splicing. ClinVar contains an entry for this variant (Variation ID: 537207). This variant has not been reported in the literature in individuals affected with RANBP2-related conditions. This variant is present in population databases (rs2912832, gnomAD 0.0009%). This sequence change falls in intron 18 of the RANBP2 gene. It does not directly change the encoded amino acid sequence of the RANBP2 protein. It affects a nucleotide within the consensus splice site. In summary, the available evidence is currently insufficient to determine the role of this variant in disease. Therefore, it has been classified as a Variant of Uncertain Significance.

Literature cited by the submitters: PubMed 17576681; PubMed 9536098.

NM_006267.5(RANBP2):c.2603-3T>C

Gene: RANBP2 (RAN binding protein 2; plus strand). Cytogenetic location: 2q13.
Variant type: single nucleotide variant.
Coding change: c.2603-3T>C on transcript NM_006267.5 (MANE Select); 3 bases into the intron before coding-DNA position 2603, T replaced by C.
Molecular consequence: intron variant.
Genome position (GRCh38, 1-based): chr2:108,762,098, T>C. VCF-style: chr2-108762098-T-C. GRCh37 (hg19) VCF-style: chr2-109378554-T-C.
Identifiers: ClinVar variation 537207 (VCV000537207.9), dbSNP rs2912832, ClinGen allele CA1822770.